The following is an entry in ClinVar:

NM_000018.4(ACADVL):c.1678+15C>T

Gene: ACADVL (acyl-CoA dehydrogenase very long chain; plus strand). Cytogenetic location: 17p13.1.
Variant type: single nucleotide variant.
Coding change: c.1678+15C>T on transcript NM_000018.4 (MANE Select); 15 bases into the intron after coding-DNA position 1678, C replaced by T.
Molecular consequence: intron variant.
Genome position (GRCh38, 1-based): chr17:7,224,567, C>T. VCF-style: chr17-7224567-C-T. GRCh37 (hg19) VCF-style: chr17-7127886-C-T.
Other names: c.1747+15C>T (NM_001270447.2); c.1450+15C>T (NM_001270448.2); c.1612+15C>T (NM_001033859.3).
Identifiers: ClinVar variation 511136 (VCV000511136.27), dbSNP rs371402802, ClinGen allele CA8338207.
Genomic context (GRCh38, chr17:7,224,567, plus strand): 5'-ACTGTGGTGGAGGCCAAGCTGATAAAACACAAGAAGGGGATTGTCAGTAAGTGAGCTCTA[C>T]ACCATTCCGCCCCTCCCTTTCCTCTCCTTGAGACTAATGCCCCCACCCCCACCCCCACCC-3'

ClinVar aggregate classification (germline): Likely benign. Review status: reviewed by expert panel (3 of 4 stars). 8 submissions from 8 submitters: Likely benign (1). 7 of the submissions do not count toward it. Last evaluated 2025-07-22.

Conditions:
Very long chain acyl-CoA dehydrogenase deficiency (ACADVLD). Also called: VLCAD Deficiency; Very Long-Chain Acyl-Coenzyme A Dehydrogenase Deficiency. Identifiers: Orphanet 26793, MedGen C3887523, MONDO:0008723, OMIM 201475.

Allele frequency attached by ClinVar (database versions not stated): ExAC 0.00012; ESP Exome Variant Server 0.00015; gnomAD exomes 0.00019 and 0.00038; TOPMed 0.00026; gnomAD 0.00027 and 0.00029.
gnomAD v4.1: 603 of 1,609,640 alleles (0.037%); highest among the groups gnomAD compares: Non-Finnish European, 0.048%; 1 homozygote.

Submissions (8):

ClinGen ACADVL Variant Curation Expert Panel, ClinGen
Classification: Likely benign for Very long chain acyl-CoA dehydrogenase deficiency. Last evaluated: 2025-07-22. Review status: reviewed by expert panel. Criteria: clingen acadvl acmg specifications v1. Collection method: curation. Allele origin: germline. Inheritance: Autosomal recessive inheritance.
Comment: The c.1678+15C>T (NM_000018.4) variant in ACADVL is an intronic variant which occurs in intron 17 and is not predicted by SpliceAI to impact splicing (BP4, BP7). To our knowledge, this variant has not been reported in the literature in any individuals with autosomal recessive very long chain acyl-CoA dehydrogenase (VLCAD) deficiency. The highest population minor allele frequency in gnomAD v4.1 is 0.0004840 in the European (non-Finnish) population (PM2_Supporting, BS1, and BA1 are not met). In summary, this variant meets the criteria to be classified as likely benign for autosomal recessive VLCAD deficiency based on the ACMG/AMP criteria applied, as specified by the ClinGen ACADVL Variant Curation Expert Panel: BP4, BP7 (ACADVL VCEP specifications version 2; approved May 1, 2025).

Labcorp Genetics (formerly Invitae), Labcorp
Classification: Likely benign for Very long chain acyl-CoA dehydrogenase deficiency. Last evaluated: 2026-01-27. Review status: criteria provided, single submitter. Criteria: Invitae Variant Classification Sherloc (09022015). Collection method: clinical testing. Allele origin: germline. Not counted in ClinVar's aggregate classification.

Blueprint Genetics
Classification: Likely benign. Last evaluated: 2024-10-21. Review status: criteria provided, single submitter. Criteria: ACMG Guidelines, 2015. Collection method: clinical testing. Allele origin: germline. Not counted in ClinVar's aggregate classification.

Wong Mito Lab, Molecular and Human Genetics, Baylor College of Medicine
Classification: Uncertain significance for Very long chain acyl-CoA dehydrogenase deficiency. Last evaluated: 2019-11-01. Review status: criteria provided, single submitter. Criteria: ACMG Guidelines, 2015. Collection method: clinical testing. Allele origin: germline. Not counted in ClinVar's aggregate classification.
Comment: The NM_000018.3:c.1678+15C>T (NP_000009.1:p.?) [GRCH38: NC_000017.11:g.7224567C>T] variant in ACADVL gene is interpretated to be Uncertain Significance based on ACMG guidelines (PMID: 25741868). This variant has been reported. This variant dose not meet any evidence codes reported in the ACMG guidelines.

ARUP Laboratories, Molecular Genetics and Genomics, ARUP Laboratories
Classification: Likely benign for Very long chain acyl-CoA dehydrogenase deficiency. Last evaluated: 2018-09-21. Review status: criteria provided, single submitter. Criteria: ARUP Molecular Germline Variant Investigation Process. Collection method: clinical testing. Allele origin: germline. Not counted in ClinVar's aggregate classification.

Illumina Laboratory Services, Illumina
Classification: Uncertain significance for Very long chain acyl-CoA dehydrogenase deficiency. Last evaluated: 2018-01-12. Review status: criteria provided, single submitter. Criteria: ICSL Variant Classification Criteria 13 December 2019. Collection method: clinical testing. Allele origin: germline. Not counted in ClinVar's aggregate classification.

GeneDx
Classification: Likely benign. Last evaluated: 2017-08-14. Review status: criteria provided, single submitter. Criteria: GeneDx Variant Classification (06012015). Collection method: clinical testing. Allele origin: germline. Affected: yes. Not counted in ClinVar's aggregate classification.
Comment: This variant is considered likely benign or benign based on one or more of the following criteria: it is a conservative change, it occurs at a poorly conserved position in the protein, it is predicted to be benign by multiple in silico algorithms, and/or has population frequency not consistent with disease.

Counsyl
Classification: Likely benign for Very long chain acyl-CoA dehydrogenase deficiency. Last evaluated: 2017-12-15. Review status: no assertion criteria provided. Collection method: clinical testing. Allele origin: unknown. Not counted in ClinVar's aggregate classification.